The following is an entry in ClinVar:

NM_006206.6(PDGFRA):c.373G>C (p.Asp125His)

Gene: PDGFRA (platelet derived growth factor receptor alpha; plus strand). Cytogenetic location: 4q12.
Variant type: single nucleotide variant.
Coding change: c.373G>C on transcript NM_006206.6 (MANE Select); coding-DNA position 373, G replaced by C.
Protein change: p.Asp125His; replaces aspartic acid 125 with histidine.
Molecular consequence: missense variant.
Genome position (GRCh38, 1-based): chr4:54,263,672, G>C. VCF-style: chr4-54263672-G-C. GRCh37 (hg19) VCF-style: chr4-55129839-G-C.
Other names: c.373G>C, p.Asp125His (NM_001347827.2, NM_001347829.2); c.448G>C, p.Asp150His (NM_001347828.2); c.412G>C, p.Asp138His (NM_001347830.2); short protein forms D125H, D138H, D150H.
Identifiers: ClinVar variation 2988991 (VCV002988991.4), dbSNP rs762935664, ClinGen allele CA2922279.

ClinVar aggregate classification (germline): Uncertain significance. Review status: criteria provided, multiple submitters, no conflicts (2 of 4 stars). 2 submissions from 2 submitters: Uncertain significance (2). Last evaluated 2024-02-09.

Conditions:
Hereditary cancer-predisposing syndrome. Also called: Neoplastic Syndromes, Hereditary; Hereditary neoplastic syndrome; Tumor predisposition; Hereditary Cancer Syndrome. Identifiers: Orphanet 140162, MedGen C0027672, MeSH D009386, MONDO:0015356.
Gastrointestinal stromal tumor. Also called: Gastrointestinal stromal tumor, somatic; Gastrointestinal stroma tumor. Identifiers: Orphanet 44890, MedGen C0238198, MeSH D046152, MONDO:0011719, OMIM 606764, HP:0100723.

Allele frequency attached by ClinVar (database versions not stated): ExAC 0.00001.
gnomAD v4.1: 1 of 1,613,838 alleles (0.000062%); highest among the groups gnomAD compares: Non-Finnish European, 0.000085%; no homozygotes.

Submissions (2):

Ambry Genetics
Classification: Uncertain significance for Hereditary cancer-predisposing syndrome. Last evaluated: 2024-02-09. Review status: criteria provided, single submitter. Criteria: Ambry Variant Classification Scheme 2023. Collection method: clinical testing. Allele origin: germline.
Comment: The p.D125H variant (also known as c.373G>C), located in coding exon 3 of the PDGFRA gene, results from a G to C substitution at nucleotide position 373. The aspartic acid at codon 125 is replaced by histidine, an amino acid with similar properties. This amino acid position is conserved. In addition, this alteration is predicted to be tolerated by in silico analysis. Based on the available evidence, the clinical significance of this alteration remains unclear.

Labcorp Genetics (formerly Invitae), Labcorp
Classification: Uncertain significance for Gastrointestinal stromal tumor. Last evaluated: 2023-05-18. Review status: criteria provided, single submitter. Criteria: Invitae Variant Classification Sherloc (09022015). Collection method: clinical testing. Allele origin: germline.
Comment: Algorithms developed to predict the effect of sequence changes on RNA splicing suggest that this variant may create or strengthen a splice site. Advanced modeling of protein sequence and biophysical properties (such as structural, functional, and spatial information, amino acid conservation, physicochemical variation, residue mobility, and thermodynamic stability) performed at Invitae indicates that this missense variant is not expected to disrupt PDGFRA protein function. This variant has not been reported in the literature in individuals affected with PDGFRA-related conditions. This variant is present in population databases (rs762935664, gnomAD 0.0009%). This sequence change replaces aspartic acid, which is acidic and polar, with histidine, which is basic and polar, at codon 125 of the PDGFRA protein (p.Asp125His). In summary, the available evidence is currently insufficient to determine the role of this variant in disease. Therefore, it has been classified as a Variant of Uncertain Significance.